The following is an entry in ClinVar:

NM_015450.3(POT1):c.194del (p.Asn65fs)

Gene: POT1 (protection of telomeres 1; minus strand). Cytogenetic location: 7q31.33.
Variant type: Deletion.
Coding change: c.194del on transcript NM_015450.3 (MANE Select); coding-DNA position 194, one base deleted (A; older notation c.194delA).
Protein change: p.Asn65fs; shifts the reading frame from asparagine 65.
Molecular consequence: frameshift variant. On other transcripts: non-coding transcript variant (3), intron variant (1).
Genome position (GRCh38, 1-based): chr7:124,870,972, T deleted on the plus strand (A on the coding strand, the reverse complement: POT1 is on the minus strand); the first of 3 consecutive T bases (chr7:124,870,972-124,870,974); deleting any one gives the same sequence. VCF-style (leftmost placement, unchanged base first): chr7-124870971-GT-G. GRCh37 (hg19) VCF-style: chr7-124511025-GT-G.
Other names: c.-138-7332del (NM_001042594.2); short protein forms N65fs.
Identifiers: ClinVar variation 3638033 (VCV003638033.2).
Genomic context (GRCh38, chr7:124,870,971, plus strand): 5'-CTTCAGCCTGTGAAAGCGAACAATATCTCCATTTTTATAAATTATTGGAAGGGCTTCATA[GT>G]TTCCACTAAAGAGCAGGCAAGTTAGTTTTACATTTGTCTGGTCCACAATAGTTACAACTG-3'

ClinVar aggregate classification (germline): Pathogenic (1 of 4 stars; one submission).

Conditions:
Tumor predisposition syndrome 3 (TPDS3). Also called: Melanoma, cutaneous malignant, susceptibility to, 10; Glioma susceptibility 9; LONG TELOMERE SYNDROME, POT1-RELATED; POT1 Tumor Predisposition. Identifiers: Orphanet 618, MedGen C4014476, MONDO:0014368, OMIM 615848.

Submission:

Labcorp Genetics (formerly Invitae), Labcorp
Classification: Pathogenic for Tumor predisposition syndrome 3. Last evaluated: 2024-02-01. Review status: criteria provided, single submitter. Criteria: Invitae Variant Classification Sherloc (09022015). Collection method: clinical testing. Allele origin: germline.
Comment: This sequence change creates a premature translational stop signal (p.Asn65Thrfs*7) in the POT1 gene. It is expected to result in an absent or disrupted protein product. Loss-of-function variants in POT1 are known to be pathogenic (PMID: 32155570). This variant is not present in population databases (gnomAD no frequency). This variant has not been reported in the literature in individuals affected with POT1-related conditions. Algorithms developed to predict the effect of sequence changes on RNA splicing suggest that this variant may disrupt the consensus splice site. For these reasons, this variant has been classified as Pathogenic.

Literature cited by the submitters: PubMed 32155570.